The following is an entry in ClinVar:

ClinVar aggregate classification (germline): Uncertain significance (1 of 4 stars; one submission).

Conditions:
Hypertrophic cardiomyopathy. Also called: HYPERTROPHIC MYOCARDIOPATHY. Identifiers: Orphanet 217569, MedGen C0007194, MeSH D002312, MONDO:0005045, HP:0001639.

Allele frequency attached by ClinVar (database versions not stated): gnomAD exomes below 0.00001; ExAC 0.00001; gnomAD 0.00001; TOPMed 0.00001; ESP Exome Variant Server 0.00008.
gnomAD v4.1: 3 of 1,613,598 alleles (0.00019%); highest among the groups gnomAD compares: African/African-American, 0.0013%; no homozygotes.

Submission:

Labcorp Genetics (formerly Invitae), Labcorp
Classification: Uncertain significance for Hypertrophic cardiomyopathy. Last evaluated: 2022-06-13. Review status: criteria provided, single submitter. Criteria: Invitae Variant Classification Sherloc (09022015). Collection method: clinical testing. Allele origin: germline.
Comment: This variant is present in population databases (rs370882551, gnomAD 0.01%). This sequence change affects a donor splice site in intron 13 of the MYOM1 gene. It is expected to disrupt RNA splicing. Variants that disrupt the donor or acceptor splice site typically lead to a loss of protein function (PMID: 16199547), however the current clinical and genetic evidence is not sufficient to establish whether loss-of-function variants in MYOM1 cause disease. This variant has not been reported in the literature in individuals affected with MYOM1-related conditions. In summary, the available evidence is currently insufficient to determine the role of this variant in disease. Therefore, it has been classified as a Variant of Uncertain Significance. Algorithms developed to predict the effect of sequence changes on RNA splicing suggest that this variant may disrupt the consensus splice site. ClinVar contains an entry for this variant (Variation ID: 1010190).

Literature cited by the submitters: PubMed 16199547.

NM_003803.4(MYOM1):c.1900+1G>A

Gene: MYOM1 (myomesin 1; minus strand). Cytogenetic location: 18p11.31.
Variant type: single nucleotide variant.
Coding change: c.1900+1G>A on transcript NM_003803.4 (MANE Select); the canonical splice donor site of the intron after coding-DNA position 1900, G replaced by A.
Molecular consequence: splice donor variant.
Genome position (GRCh38, 1-based): chr18:3,149,144, C>T on the plus strand (G>A on the coding strand, the complement: MYOM1 is on the minus strand). VCF-style: chr18-3149144-C-T. GRCh37 (hg19) VCF-style: chr18-3149142-C-T.
Other names: c.1900+1G>A (NM_019856.2).
Identifiers: ClinVar variation 1010190 (VCV001010190.7), dbSNP rs370882551, ClinGen allele CA8874817.